The following is an entry in ClinVar:

NM_016507.4(CDK12):c.67C>T (p.Pro23Ser)

Genes: CDK12 (cyclin dependent kinase 12; plus strand), LOC126862553 (CDK7 strongly-dependent group 2 enhancer GRCh37_chr17:37618166-37619365; plus strand). Cytogenetic location: 17q12.
Variant type: single nucleotide variant.
Coding change: c.67C>T on transcript NM_016507.4 (MANE Select); coding-DNA position 67, C replaced by T.
Protein change: p.Pro23Ser; replaces proline 23 with serine.
Molecular consequence: missense variant.
Genome position (GRCh38, 1-based): chr17:39,462,138, C>T. VCF-style: chr17-39462138-C-T. GRCh37 (hg19) VCF-style: chr17-37618391-C-T.
Other names: c.67C>T, p.Pro23Ser (NM_015083.4); short protein forms P23S.
Identifiers: ClinVar variation 3999269 (VCV003999269.1).

ClinVar aggregate classification (germline): Uncertain significance (1 of 4 stars; one submission).

Submission:

Ambry Genetics
Classification: Uncertain significance. Last evaluated: 2025-03-25. Review status: criteria provided, single submitter. Criteria: Ambry Variant Classification Scheme 2023. Collection method: clinical testing. Allele origin: germline.
Comment: The p.P23S variant (also known as c.67C>T), located in coding exon 1 of the CDK12 gene, results from a C to T substitution at nucleotide position 67. The proline at codon 23 is replaced by serine, an amino acid with similar properties. This amino acid position is conserved. In addition, this alteration is predicted to be tolerated by in silico analysis. Based on the available evidence, the clinical significance of this variant remains unclear.